The following is an entry in ClinVar:

ClinVar aggregate classification (germline): Uncertain significance (1 of 4 stars; one submission).

Conditions:
Gastrointestinal stromal tumor. Also called: Gastrointestinal stromal tumor, somatic; Gastrointestinal stroma tumor. Identifiers: Orphanet 44890, MedGen C0238198, MeSH D046152, MONDO:0011719, OMIM 606764, HP:0100723.
Pheochromocytoma/paraganglioma syndrome 3. Also called: GLOMUS TUMORS, FAMILIAL, 3; Paragangliomas 3; SDHC-Related Hereditary Paraganglioma-Pheochromocytoma Syndrome (Paragangliomas 3); SDHC-Related Hereditary Paraganglioma-Pheochromocytoma Syndrome. Identifiers: Orphanet 29072, MedGen C1854336, MONDO:0011544, OMIM 605373.

Submission:

Labcorp Genetics (formerly Invitae), Labcorp
Classification: Uncertain significance for Pheochromocytoma/paraganglioma syndrome 3; Gastrointestinal stromal tumor. Last evaluated: 2023-10-22. Review status: criteria provided, single submitter. Criteria: Invitae Variant Classification Sherloc (09022015). Collection method: clinical testing. Allele origin: germline.
Comment: This sequence change replaces serine, which is neutral and polar, with phenylalanine, which is neutral and non-polar, at codon 68 of the SDHC protein (p.Ser68Phe). This variant is not present in population databases (gnomAD no frequency). This variant has not been reported in the literature in individuals affected with SDHC-related conditions. An algorithm developed to predict the effect of missense changes on protein structure and function (PolyPhen-2) suggests that this variant is likely to be disruptive. In summary, the available evidence is currently insufficient to determine the role of this variant in disease. Therefore, it has been classified as a Variant of Uncertain Significance.

NM_003001.5(SDHC):c.203C>T (p.Ser68Phe)

Gene: SDHC (succinate dehydrogenase complex subunit C; plus strand). Cytogenetic location: 1q23.3.
Variant type: single nucleotide variant.
Coding change: c.203C>T on transcript NM_003001.5 (MANE Select); coding-DNA position 203, C replaced by T.
Protein change: p.Ser68Phe; replaces serine 68 with phenylalanine.
Molecular consequence: missense variant. On other transcripts: non-coding transcript variant (1).
Genome position (GRCh38, 1-based): chr1:161,340,617, C>T. VCF-style: chr1-161340617-C-T. GRCh37 (hg19) VCF-style: chr1-161310407-C-T.
Other names: c.203C>T, p.Ser68Phe (NM_001035511.3); c.101C>T, p.Ser34Phe (NM_001035512.3, NM_001278172.3, NM_001407118.1); c.44C>T, p.Ser15Phe (NM_001035513.3); c.323C>T, p.Ser108Phe (NM_001407115.1); c.146C>T, p.Ser49Phe (NM_001407116.1, NM_001407117.1, NM_001407121.1); c.92C>T, p.Ser31Phe (NM_001407119.1, NM_001407120.1); short protein forms S68F, S15F, S34F, S108F, S31F, S49F.
Identifiers: ClinVar variation 2939471 (VCV002939471.3), dbSNP rs2526444878, ClinGen allele CA343365819.